The following is an entry in ClinVar:

NM_019842.4(KCNQ5):c.1276C>T (p.Arg426Cys)

Gene: KCNQ5 (potassium voltage-gated channel subfamily Q member 5; plus strand). Cytogenetic location: 6q13.
Variant type: single nucleotide variant.
Coding change: c.1276C>T on transcript NM_019842.4 (MANE Select); coding-DNA position 1276, C replaced by T.
Protein change: p.Arg426Cys; replaces arginine 426 with cysteine.
Molecular consequence: missense variant. On other transcripts: intron variant (1).
Genome position (GRCh38, 1-based): chr6:73,133,449, C>T. VCF-style: chr6-73133449-C-T. GRCh37 (hg19) VCF-style: chr6-73843172-C-T.
Other names: c.1249C>T, p.Arg417Cys (NM_001160130.2); c.1306C>T, p.Arg436Cys (NM_001160132.2); c.1333C>T, p.Arg445Cys (NM_001160133.2); c.1247+8937C>T (NM_001160134.2); short protein forms R426C, R445C, R417C, R436C.
Identifiers: ClinVar variation 4782152 (VCV004782152.1).

ClinVar aggregate classification (germline): Uncertain significance (1 of 4 stars; one submission).

gnomAD v4.1: 2 of 1,614,084 alleles (0.00012%); highest among the groups gnomAD compares: Non-Finnish European, 0.00017%; no homozygotes.

Submission:

Labcorp Genetics (formerly Invitae), Labcorp
Classification: Uncertain significance. Last evaluated: 2025-04-17. Review status: criteria provided, single submitter. Criteria: Invitae Variant Classification Sherloc (09022015). Collection method: clinical testing. Allele origin: germline.
Comment: This sequence change replaces arginine, which is basic and polar, with cysteine, which is neutral and slightly polar, at codon 445 of the KCNQ5 protein (p.Arg445Cys). This variant is not present in population databases (gnomAD no frequency). This variant has not been reported in the literature in individuals affected with KCNQ5-related conditions. Invitae Evidence Modeling of protein sequence and biophysical properties (such as structural, functional, and spatial information, amino acid conservation, physicochemical variation, residue mobility, and thermodynamic stability) indicates that this missense variant is expected to disrupt KCNQ5 protein function with a positive predictive value of 95%. In summary, the available evidence is currently insufficient to determine the role of this variant in disease. Therefore, it has been classified as a Variant of Uncertain Significance.